The following is an entry in ClinVar:

ClinVar aggregate classification (germline): Pathogenic. Review status: criteria provided, multiple submitters, no conflicts (2 of 4 stars). 3 submissions from 3 submitters: Pathogenic (3). Last evaluated 2024-09-12.

Conditions:
Ichthyosis linearis circumflexa. Identifiers: MedGen C0265962, MONDO:0043106, HP:0025810.
Netherton syndrome (NETH). Also called: ERYTHRODERMA, ICHTHYOSIFORM, WITH HYPOTRICHOSIS AND HYPER-IgE; COMEL-NETHERTON SYNDROME; NETHERTON DISEASE. Identifiers: Orphanet 634, MedGen C5574950, MONDO:0009735, OMIM 256500.

Allele frequency attached by ClinVar (database versions not stated): ExAC 0.00004; gnomAD exomes 0.00001 and 0.00004; TOPMed 0.00002.
gnomAD v4.1: 7 of 1,614,082 alleles (0.00043%); highest among the groups gnomAD compares: East Asian, 0.016%; no homozygotes.

Submissions (3):

3billion
Classification: Pathogenic for Netherton syndrome. Last evaluated: 2024-09-12. Review status: criteria provided, single submitter. Criteria: ACMG Guidelines, 2015. Collection method: clinical testing. Allele origin: germline. Affected: yes.
Comment: The variant is observed at an extremely low frequency in the gnomAD v4.0.0 dataset (total allele frequency: <0.001%). Predicted Consequence/Location: Stop-gained (nonsense): predicted to result in a loss or disruption of normal protein function through nonsense-mediated decay (NMD) or protein truncation. Multiple pathogenic variants are reported downstream of the variant. The variant has been reported to be associated with SPINK5 related disorder (ClinVar ID: VCV001379542 /PMID: 12923596). Therefore, this variant is classified as Pathogenic according to the recommendation of ACMG/AMP guideline.

Labcorp Genetics (formerly Invitae), Labcorp
Classification: Pathogenic for Ichthyosis linearis circumflexa. Last evaluated: 2023-10-13. Review status: criteria provided, single submitter. Criteria: Invitae Variant Classification Sherloc (09022015). Collection method: clinical testing. Allele origin: germline.
Comment: This sequence change creates a premature translational stop signal (p.Lys754*) in the SPINK5 gene. It is expected to result in an absent or disrupted protein product. Loss-of-function variants in SPINK5 are known to be pathogenic (PMID: 11511292, 11841556). This variant is present in population databases (rs750789505, gnomAD 0.05%). This premature translational stop signal has been observed in individual(s) with Netherton syndrome (PMID: 12923596, 15656819, 27988933). ClinVar contains an entry for this variant (Variation ID: 1379542). For these reasons, this variant has been classified as Pathogenic.

Juno Genomics, Hangzhou Juno Genomics, Inc
Classification: Pathogenic for Netherton syndrome. Review status: criteria provided, single submitter. Criteria: ACMG Guidelines, 2015. Collection method: clinical testing. Allele origin: germline. Affected: yes.
Comment: Absent from controls (or at extremely low frequency if recessive) in Genome Aggregation Database, Exome Sequencing Project, 1000 Genomes Project, or Exome Aggregation Consortium.;Null variant in a gene where loss of function (LOF) is a known mechanism of disease.;For recessive disorders, detected in trans with a pathogenic variant.;Patient's phenotype or family history is highly specific for a disease with a single genetic etiology.

Literature cited by the submitters: PubMed 12923596 (cited by 3billion and Labcorp Genetics (formerly Invitae), Labcorp); PubMed 11511292 (cited by Labcorp Genetics (formerly Invitae), Labcorp); PubMed 11841556 (cited by Labcorp Genetics (formerly Invitae), Labcorp); PubMed 15656819 (cited by Labcorp Genetics (formerly Invitae), Labcorp); PubMed 27988933 (cited by Labcorp Genetics (formerly Invitae), Labcorp).

NM_006846.4(SPINK5):c.2260A>T (p.Lys754Ter)

Gene: SPINK5 (serine peptidase inhibitor Kazal type 5; plus strand). Cytogenetic location: 5q32.
Variant type: single nucleotide variant.
Coding change: c.2260A>T on transcript NM_006846.4 (MANE Select); coding-DNA position 2260, A replaced by T.
Protein change: p.Lys754Ter; replaces lysine 754 with a stop codon.
Molecular consequence: nonsense.
Genome position (GRCh38, 1-based): chr5:148,119,005, A>T. VCF-style: chr5-148119005-A-T. GRCh37 (hg19) VCF-style: chr5-147498568-A-T.
Other names: c.2260A>T, p.Lys754Ter (NM_001127698.2, NM_001127699.2); short protein forms K754*.
Identifiers: ClinVar variation 1379542 (VCV001379542.12), dbSNP rs750789505, ClinGen allele CA3495928.
Genomic context (GRCh38, chr5:148,119,005, plus strand): 5'-TATTTGTTAACAAGATGAATATTCACTTTTTTCTCCTCCAGGGAAAGAGAAGCAGAGAGA[A>T]AAAATGAGTATTCTCGCTCCAGATCAAATGGGACTGGATCAGAATCAGGGAAGGTGAGTT-3'